The following is an entry in ClinVar:

ClinVar aggregate classification (germline): Uncertain significance. Review status: criteria provided, multiple submitters, no conflicts (2 of 4 stars). 4 submissions from 4 submitters: Uncertain significance (4). Last evaluated 2025-11-11.

Conditions:
MHC class II deficiency. Also called: Bare lymphocyte syndrome 2; BLS, TYPE II. Identifiers: Orphanet 572, MedGen C5447452, MONDO:0008855.
MHC class II deficiency 1 (MHC2D1). Also called: Bare lymphocyte syndrome type 2, complementation group A; SCID, HLA CLASS II-NEGATIVE; BARE LYMPHOCYTE SYNDROME, TYPE II, COMPLEMENTATION GROUP A. Identifiers: MedGen C1859534, MONDO:0971005, OMIM 209920.

Allele frequency attached by ClinVar (database versions not stated): gnomAD 0.00001; gnomAD exomes 0.00001 and 0.00004; ExAC 0.00002; TOPMed 0.00002.
gnomAD v4.1: 25 of 1,614,090 alleles (0.0015%); highest among the groups gnomAD compares: Admixed American, 0.017%; no homozygotes.

Submissions (4):

Ambry Genetics
Classification: Uncertain significance. Last evaluated: 2025-11-11. Review status: criteria provided, single submitter. Criteria: Ambry Variant Classification Scheme 2023. Collection method: clinical testing. Allele origin: germline.

Labcorp Genetics (formerly Invitae), Labcorp
Classification: Uncertain significance for MHC class II deficiency. Last evaluated: 2023-11-24. Review status: criteria provided, single submitter. Criteria: Invitae Variant Classification Sherloc (09022015). Collection method: clinical testing. Allele origin: germline.
Comment: This sequence change replaces threonine, which is neutral and polar, with serine, which is neutral and polar, at codon 587 of the RFX5 protein (p.Thr587Ser). This variant is present in population databases (rs769690666, gnomAD 0.02%). This variant has not been reported in the literature in individuals affected with RFX5-related conditions. ClinVar contains an entry for this variant (Variation ID: 992517). Algorithms developed to predict the effect of missense changes on protein structure and function output the following: SIFT: "Not Available"; PolyPhen-2: "Benign"; Align-GVGD: "Not Available". The serine amino acid residue is found in multiple mammalian species, which suggests that this missense change does not adversely affect protein function. In summary, the available evidence is currently insufficient to determine the role of this variant in disease. Therefore, it has been classified as a Variant of Uncertain Significance.

Genome-Nilou Lab
Classification: Uncertain significance for MHC class II deficiency 1. Last evaluated: 2023-04-11. Review status: criteria provided, single submitter. Criteria: ACMG Guidelines, 2015. Collection method: clinical testing. Allele origin: germline. Affected: no.

Center for Genomics, Ann and Robert H. Lurie Children's Hospital of Chicago
Classification: Uncertain significance for MHC class II deficiency 1. Review status: criteria provided, single submitter. Criteria: ACMG Guidelines, 2015. Collection method: clinical testing. Allele origin: germline.
Comment: RFX5 NM_000449.3 exon 11 p.Thr587Ser (c.1759A>T): This variant has not been reported in the literature but is present in 0.02% (7/34592) of Latino alleles in the Genome Aggregation Database. Evolutionary conservation and computational predictive tools suggest that this variant may not impact the protein. In summary, data on this variant is insufficient for disease classification. Therefore, the clinical significance of this variant is uncertain.

NM_001025603.2(RFX5):c.1759A>T (p.Thr587Ser)

Gene: RFX5 (regulatory factor X5; minus strand). Cytogenetic location: 1q21.3.
Variant type: single nucleotide variant.
Coding change: c.1759A>T on transcript NM_001025603.2 (MANE Select); coding-DNA position 1759, A replaced by T.
Protein change: p.Thr587Ser; replaces threonine 587 with serine.
Molecular consequence: missense variant.
Genome position (GRCh38, 1-based): chr1:151,342,278, T>A on the plus strand (A>T on the coding strand, the complement: RFX5 is on the minus strand). VCF-style: chr1-151342278-T-A. GRCh37 (hg19) VCF-style: chr1-151314754-T-A.
Other names: c.1759A>T, p.Thr587Ser (NM_001379412.1, NM_001379413.1, NM_001379414.1 and 5 more transcripts); c.1639A>T, p.Thr547Ser (NM_001379419.1, NM_001379420.1); c.1759A>T (NM_000449.3); short protein forms T547S, T587S.
Identifiers: ClinVar variation 992517 (VCV000992517.7), dbSNP rs769690666, ClinGen allele CA1089546.
Genomic context (GRCh38, chr1:151,342,278, plus strand): 5'-CCTGGGATAAGGAACTTTGAAGCACATGCTCCTTTAAGTCTTTATTACCCTGTGGTGCAG[T>A]GTCTACCTCTCCCTTTGCCAAAGGAAAAGCCTCCTTTTGGCTTCTGCTGCCCTTGATGAC-3'
Protein context (NP_001020774.1, residues 577-597): AFPLAKGEVD[Thr587Ser]APQGNKDLKE